The following is an entry in ClinVar:

ClinVar aggregate classification (germline): Uncertain significance (1 of 4 stars; one submission).

Conditions:
MC4R-related disorder. Also called: MC4R-related condition.

gnomAD v4.1: 1 of 1,614,062 alleles (0.000062%); highest among the groups gnomAD compares: Admixed American, 0.0017%; no homozygotes.

Submission:

PreventionGenetics, part of Exact Sciences
Classification: Uncertain significance for MC4R-related condition. Last evaluated: 2024-12-05. Review status: criteria provided, single submitter. Criteria: ACMG Guidelines, 2015. Collection method: clinical testing. Allele origin: germline.
Comment: The MC4R c.629C>T variant is predicted to result in the amino acid substitution p.Ser210Phe. To our knowledge, this variant has not been reported in the literature. This variant is reported in 0.0062% of alleles in individuals of African descent in gnomAD. At this time, the clinical significance of this variant is uncertain due to the absence of conclusive functional and genetic evidence.

NM_005912.3(MC4R):c.629C>T (p.Ser210Phe)

Gene: MC4R (melanocortin 4 receptor; minus strand). Cytogenetic location: 18q21.32.
Variant type: single nucleotide variant.
Coding change: c.629C>T on transcript NM_005912.3 (MANE Select); coding-DNA position 629, C replaced by T.
Protein change: p.Ser210Phe; replaces serine 210 with phenylalanine.
Molecular consequence: missense variant.
Genome position (GRCh38, 1-based): chr18:60,371,721, G>A on the plus strand (C>T on the coding strand, the complement: MC4R is on the minus strand). VCF-style: chr18-60371721-G-A. GRCh37 (hg19) VCF-style: chr18-58038954-G-A.
Other names: short protein forms S210F.
Identifiers: ClinVar variation 4998809 (VCV004998809.1).